The following is an entry in ClinVar:

ClinVar aggregate classification (germline): Pathogenic (1 of 4 stars; one submission).

Conditions:
Hereditary cancer-predisposing syndrome. Also called: Neoplastic Syndromes, Hereditary; Hereditary Cancer Syndrome; Tumor predisposition; Hereditary neoplastic syndrome. Identifiers: Orphanet 140162, MedGen C0027672, MeSH D009386, MONDO:0015356.

Submission:

Ambry Genetics
Classification: Pathogenic for Hereditary cancer-predisposing syndrome. Last evaluated: 2026-06-25. Review status: criteria provided, single submitter. Criteria: Ambry Variant Classification Scheme 2023. Collection method: clinical testing. Allele origin: germline.
Comment: The p.E487* pathogenic mutation (also known as c.1459G>T), located in coding exon 10 of the FLCN gene, results from a G to T substitution at nucleotide position 1459. This changes the amino acid from a glutamic acid to a stop codon within coding exon 10. This variant is considered to be rare based on population cohorts in the Genome Aggregation Database (gnomAD). This alteration is expected to result in loss of function by premature protein truncation or nonsense-mediated mRNA decay. As such, this alteration is interpreted as a disease-causing mutation.

NM_144997.7(FLCN):c.1459G>T (p.Glu487Ter)

Gene: FLCN (folliculin; minus strand). Cytogenetic location: 17p11.2.
Variant type: single nucleotide variant.
Coding change: c.1459G>T on transcript NM_144997.7 (MANE Select); coding-DNA position 1459, G replaced by T.
Protein change: p.Glu487Ter; replaces glutamic acid 487 with a stop codon.
Molecular consequence: nonsense.
Genome position (GRCh38, 1-based): chr17:17,215,064, C>A on the plus strand (G>T on the coding strand, the complement: FLCN is on the minus strand). VCF-style: chr17-17215064-C-A. GRCh37 (hg19) VCF-style: chr17-17118378-C-A.
Other names: c.1459G>T (LRG_325t1); c.1513G>T, p.Glu505Ter (NM_001353229.2); c.1459G>T, p.Glu487Ter (NM_001353230.2, NM_001353231.2); short protein forms E487*, E505*.
Identifiers: ClinVar variation 185811 (VCV000185811.6), dbSNP rs786202475, ClinGen allele CA193015.